The following is an entry in ClinVar:

ClinVar aggregate classification (germline): Uncertain significance (1 of 4 stars; one submission).

Allele frequency attached by ClinVar (database versions not stated): gnomAD exomes 0.00001; gnomAD 0.00003; TOPMed 0.00004.
gnomAD v4.1: 19 of 1,614,122 alleles (0.0012%); highest among the groups gnomAD compares: Admixed American, 0.01%; no homozygotes.

Submission:

Labcorp Genetics (formerly Invitae), Labcorp
Classification: Uncertain significance. Last evaluated: 2024-07-29. Review status: criteria provided, single submitter. Criteria: Invitae Variant Classification Sherloc (09022015). Collection method: clinical testing. Allele origin: germline.
Comment: This sequence change replaces glutamine, which is neutral and polar, with arginine, which is basic and polar, at codon 294 of the HYOU1 protein (p.Gln294Arg). This variant is present in population databases (rs146507043, gnomAD 0.01%). This variant has not been reported in the literature in individuals affected with HYOU1-related conditions. An algorithm developed to predict the effect of missense changes on protein structure and function (PolyPhen-2) suggests that this variant is likely to be tolerated. In summary, the available evidence is currently insufficient to determine the role of this variant in disease. Therefore, it has been classified as a Variant of Uncertain Significance.

NM_006389.5(HYOU1):c.881A>G (p.Gln294Arg)

Gene: HYOU1 (hypoxia up-regulated 1; minus strand). Cytogenetic location: 11q23.3.
Variant type: single nucleotide variant.
Coding change: c.881A>G on transcript NM_006389.5 (MANE Select); coding-DNA position 881, A replaced by G.
Protein change: p.Gln294Arg; replaces glutamine 294 with arginine.
Molecular consequence: missense variant.
Genome position (GRCh38, 1-based): chr11:119,052,743, T>C on the plus strand (A>G on the coding strand, the complement: HYOU1 is on the minus strand). VCF-style: chr11-119052743-T-C. GRCh37 (hg19) VCF-style: chr11-118923455-T-C.
Other names: c.881A>G, p.Gln294Arg (NM_001130991.3, NM_001411041.1); short protein forms Q294R.
Identifiers: ClinVar variation 3001591 (VCV003001591.3), dbSNP rs146507043, ClinGen allele CA229623681.